The following is an entry in ClinVar:

ClinVar aggregate classification (germline): Pathogenic (1 of 4 stars; one submission).

Conditions:
Hereditary spastic paraplegia 3A (SPG3A). Also called: SPASTIC PARAPLEGIA 3, AUTOSOMAL DOMINANT; FAMILIAL SPASTIC PARAPLEGIA, AUTOSOMAL DOMINANT, 1; SPG3; STRUMPELL DISEASE; Spastic Paraplegia 3A; Spastic paraplegia 3A, autosomal dominant. Identifiers: Orphanet 100984, MedGen C2931355, MONDO:0008437, OMIM 182600.

Submission:

Labcorp Genetics (formerly Invitae), Labcorp
Classification: Pathogenic for Hereditary spastic paraplegia 3A. Last evaluated: 2021-03-22. Review status: criteria provided, single submitter. Criteria: Invitae Variant Classification Sherloc (09022015). Collection method: clinical testing. Allele origin: germline.
Comment: For these reasons, this variant has been classified as Pathogenic. This variant disrupts the p.His258 amino acid residue in ATL1. Other variant(s) that disrupt this residue have been determined to be pathogenic (PMID: 11685207). This suggests that this residue is clinically significant, and that variants that disrupt this residue are likely to be disease-causing. Advanced modeling of protein sequence and biophysical properties (such as structural, functional, and spatial information, amino acid conservation, physicochemical variation, residue mobility, and thermodynamic stability) performed at Invitae indicates that this missense variant is not expected to disrupt ATL1 protein function. This variant has been observed in individual(s) with clinical features of autosomal dominant ATL1-related conditions (Invitae). In at least one individual the variant was observed to be de novo. This variant is not present in population databases (ExAC no frequency). This sequence change replaces histidine with leucine at codon 258 of the ATL1 protein (p.His258Leu). The histidine residue is highly conserved and there is a moderate physicochemical difference between histidine and leucine.

Literature cited by the submitters: PubMed 11685207.

NM_015915.5(ATL1):c.773A>T (p.His258Leu)

Gene: ATL1 (atlastin GTPase 1; plus strand). Cytogenetic location: 14q22.1.
Variant type: single nucleotide variant.
Coding change: c.773A>T on transcript NM_015915.5 (MANE Select); coding-DNA position 773, A replaced by T.
Protein change: p.His258Leu; replaces histidine 258 with leucine.
Molecular consequence: missense variant.
Genome position (GRCh38, 1-based): chr14:50,614,422, A>T. VCF-style: chr14-50614422-A-T. GRCh37 (hg19) VCF-style: chr14-51081140-A-T.
Other names: c.773A>T, p.His258Leu (NM_001127713.1, NM_181598.4); short protein forms H258L.
Identifiers: ClinVar variation 1456145 (VCV001456145.8), dbSNP rs119476048, ClinGen allele CA389671654.